The following is an entry in ClinVar:

ClinVar aggregate classification (germline): Conflicting classifications of pathogenicity. Review status: criteria provided, conflicting classifications (1 of 4 stars). 2 submissions from 2 submitters: Uncertain significance (1); Likely benign (1). Last evaluated 2025-09-21.

Conditions:
Supravalvar aortic stenosis (SVAS). Also called: Supravalvar aortic stenosis, Eisenberg type. Identifiers: Orphanet 3193, MedGen C0003499, MONDO:0008504, OMIM 185500, HP:0004381.

Allele frequency attached by ClinVar (database versions not stated): ExAC 0.00002; gnomAD exomes 0.00002 and 0.00005; gnomAD 0.00009; TOPMed 0.00015.
gnomAD v4.1: 32 of 1,614,114 alleles (0.002%); highest among the groups gnomAD compares: Admixed American, 0.037%; no homozygotes.

Submissions (2):

Labcorp Genetics (formerly Invitae), Labcorp
Classification: Uncertain significance for Supravalvar aortic stenosis. Last evaluated: 2025-09-21. Review status: criteria provided, single submitter. Criteria: Invitae Variant Classification Sherloc (09022015). Collection method: clinical testing. Allele origin: germline.
Comment: This sequence change replaces alanine, which is neutral and non-polar, with glycine, which is neutral and non-polar, at codon 185 of the ELN protein (p.Ala185Gly). This variant is present in population databases (rs781956448, gnomAD 0.03%). This variant has not been reported in the literature in individuals affected with ELN-related conditions. ClinVar contains an entry for this variant (Variation ID: 1027149). Invitae Evidence Modeling of protein sequence and biophysical properties (such as structural, functional, and spatial information, amino acid conservation, physicochemical variation, residue mobility, and thermodynamic stability) has been performed for this missense variant. However, the output from this modeling did not meet the statistical confidence thresholds required to predict the impact of this variant on ELN protein function. In summary, the available evidence is currently insufficient to determine the role of this variant in disease. Therefore, it has been classified as a Variant of Uncertain Significance.

Blueprint Genetics
Classification: Likely benign. Last evaluated: 2022-04-04. Review status: criteria provided, single submitter. Criteria: ACMG Guidelines, 2015. Collection method: clinical testing. Allele origin: germline.

NM_000501.4(ELN):c.554C>G (p.Ala185Gly)

Gene: ELN (elastin; plus strand). Cytogenetic location: 7q11.23.
Variant type: single nucleotide variant.
Coding change: c.554C>G on transcript NM_000501.4 (MANE Select); coding-DNA position 554, C replaced by G.
Protein change: p.Ala185Gly; replaces alanine 185 with glycine.
Molecular consequence: missense variant. On other transcripts: intron variant (2).
Genome position (GRCh38, 1-based): chr7:74,046,200, C>G. VCF-style: chr7-74046200-C-G. GRCh37 (hg19) VCF-style: chr7-73460530-C-G.
Other names: c.524C>G, p.Ala175Gly (NM_001081752.3, NM_001278917.2); c.569C>G, p.Ala190Gly (NM_001081753.3, NM_001081754.3); c.554C>G, p.Ala185Gly (NM_001081755.3, NM_001278912.2, NM_001278915.2 and 2 more transcripts); c.539C>G, p.Ala180Gly (NM_001278914.2); c.506-496C>G (NM_001278913.2); c.440-496C>G (NM_001278918.2); short protein forms A175G, A180G, A185G, A190G.
Identifiers: ClinVar variation 1027149 (VCV001027149.9), dbSNP rs781956448, ClinGen allele CA4292551.